The following is an entry in ClinVar:

NM_007194.4(CHEK2):c.46_61del (p.Ser16fs)

Gene: CHEK2 (checkpoint kinase 2; minus strand). Cytogenetic location: 22q12.1.
Variant type: Deletion.
Coding change: c.46_61del on transcript NM_007194.4 (MANE Select); coding-DNA positions 46 to 61, 16 bases deleted (AGTGCCTGTTCACAGC).
Protein change: p.Ser16fs; shifts the reading frame from serine 16.
Molecular consequence: frameshift variant.
Genome position (GRCh38, 1-based): chr22:28,734,661-28,734,676, GCTGTGAACAGGCACT deleted on the plus strand (AGTGCCTGTTCACAGC on the coding strand, the reverse complement: CHEK2 is on the minus strand); deleting any 16 consecutive bases within chr22:28,734,661-28,734,680 gives the same sequence; the c. name uses the placement nearest the transcript's 3' end. VCF-style (leftmost placement, unchanged base first): chr22-28734660-GGCTGTGAACAGGCACT-G. GRCh37 (hg19) VCF-style: chr22-29130648-GGCTGTGAACAGGCACT-G.
Other names: c.42_57del16, p.Ser16Profs (NM_001005735.3, NM_001349956.3, NM_145862.3); c.-736_-721del16 (NM_001257387.3); short protein forms S16fs.
Identifiers: ClinVar variation 1453059 (VCV001453059.7), dbSNP rs2146154211, ClinGen allele CA2573157846.
Genomic context (GRCh38, chr22:28,734,660, plus strand): 5'-GAGCTGGATATGCCCTGGGACTGTGAGGAGGAGCCTTGGGACTGGGTAACGCTGCCATGG[GGCTGTGAACAGGCACT>G]GCTGCCATGAGACTGCTGAGCCTCAACATCCGACTCCCGAGACATCACGACCTCAAAAAG-3'

ClinVar aggregate classification (germline): Pathogenic (1 of 4 stars; one submission).

Conditions:
Familial cancer of breast. Also called: Hereditary breast cancer; hereditary breast carcinoma; BREAST CANCER, FAMILIAL. Identifiers: Orphanet 227535, MedGen C0346153, MONDO:0016419, OMIM 114480. Disease mechanism: loss of function.

Submission:

Labcorp Genetics (formerly Invitae), Labcorp
Classification: Pathogenic for Familial cancer of breast. Last evaluated: 2021-07-24. Review status: criteria provided, single submitter. Criteria: Invitae Variant Classification Sherloc (09022015). Collection method: clinical testing. Allele origin: germline.
Comment: For these reasons, this variant has been classified as Pathogenic. This variant has not been reported in the literature in individuals affected with CHEK2-related conditions. This variant is not present in population databases (ExAC no frequency). This sequence change creates a premature translational stop signal (p.Ser16Profs*40) in the CHEK2 gene. It is expected to result in an absent or disrupted protein product. Loss-of-function variants in CHEK2 are known to be pathogenic (PMID: 21876083, 24713400).

Literature cited by the submitters: PubMed 21876083; PubMed 24713400.